The following is an entry in ClinVar:

ClinVar aggregate classification (germline): Uncertain significance (1 of 4 stars; one submission).

Allele frequency attached by ClinVar (database versions not stated): gnomAD exomes below 0.00001.
gnomAD v4.1: 1 of 1,613,660 alleles (0.000062%); highest among the groups gnomAD compares: Non-Finnish European, 0.000085%; no homozygotes.

Submission:

GeneDx
Classification: Uncertain significance. Last evaluated: 2014-07-30. Review status: criteria provided, single submitter. Criteria: GeneDx Variant Classification (06012015). Collection method: clinical testing. Allele origin: germline. Affected: yes.
Comment: p.Pro811Thr (CCA>ACA): c.2431 C>A in exon 9 of the MBD5 gene (NM_018328.4) The P811T variant has not been published as a mutation, nor has it been reported as a benign polymorphism to our knowledge. It was not observed in approximately 6,500 individuals of European and African American ancestry in the NHLBI Exome Sequencing Project, indicating it is not a common benign variant in these populations. The P811T variant is a non-conservative amino acid substitution, which is likely to impact secondary protein structure as these residues differ in polarity, charge, size and/or other properties. This substitution occurs at a position that is conserved across species. In silico analysis predicts this variant is probably damaging to the protein structure/function. However, to our knowledge, only deletions and frameshift mutations in MBD5 have been published in association with epilepsy. Therefore, based on the currently available information, it is unclear whether this variant is a pathogenic mutation or a rare benign variant. The variant is found in CHILD-EPI panel(s).

NM_001378120.1(MBD5):c.2431C>A (p.Pro811Thr)

Gene: MBD5 (methyl-CpG binding domain protein 5; plus strand). Cytogenetic location: 2q23.1.
Variant type: single nucleotide variant.
Coding change: c.2431C>A on transcript NM_001378120.1 (MANE Select); coding-DNA position 2431, C replaced by A.
Protein change: p.Pro811Thr; replaces proline 811 with threonine.
Molecular consequence: missense variant.
Genome position (GRCh38, 1-based): chr2:148,470,374, C>A. VCF-style: chr2-148470374-C-A. GRCh37 (hg19) VCF-style: chr2-149227943-C-A.
Other names: p.P811T:CCA>ACA; c.2431C>A, p.Pro811Thr (NM_018328.5); short protein forms P811T.
Identifiers: ClinVar variation 206086 (VCV000206086.2), dbSNP rs796052713, ClinGen allele CA315828.